The following is an entry in ClinVar:

NM_018124.4(RFWD3):c.2284A>G (p.Thr762Ala)

Gene: RFWD3 (ring finger and WD repeat domain 3; minus strand). Cytogenetic location: 16q23.1.
Variant type: single nucleotide variant.
Coding change: c.2284A>G on transcript NM_018124.4 (MANE Select); coding-DNA position 2284, A replaced by G.
Protein change: p.Thr762Ala; replaces threonine 762 with alanine.
Molecular consequence: missense variant.
Genome position (GRCh38, 1-based): chr16:74,623,969, T>C on the plus strand (A>G on the coding strand, the complement: RFWD3 is on the minus strand). VCF-style: chr16-74623969-T-C. GRCh37 (hg19) VCF-style: chr16-74657867-T-C.
Other names: c.2284A>G, p.Thr762Ala (NM_001370534.1, NM_001370535.1); c.2107A>G, p.Thr703Ala (NM_001370536.1); c.1450A>G, p.Thr484Ala (NM_001370537.1, NM_001370539.1, NM_001370540.1 and 2 more transcripts); short protein forms T484A, T703A, T762A.
Identifiers: ClinVar variation 4800023 (VCV004800023.1).

ClinVar aggregate classification (germline): Uncertain significance (1 of 4 stars; one submission).

gnomAD v4.1: 6 of 1,614,120 alleles (0.00037%); highest among the groups gnomAD compares: Non-Finnish European, 0.00051%; no homozygotes.

Submission:

Labcorp Genetics (formerly Invitae), Labcorp
Classification: Uncertain significance. Last evaluated: 2025-10-01. Review status: criteria provided, single submitter. Criteria: Invitae Variant Classification Sherloc (09022015). Collection method: clinical testing. Allele origin: germline.
Comment: This sequence change replaces threonine, which is neutral and polar, with alanine, which is neutral and non-polar, at codon 762 of the RFWD3 protein (p.Thr762Ala). This variant is present in population databases (no rsID available, gnomAD 0.0009%). This variant has not been reported in the literature in individuals affected with RFWD3-related conditions. An algorithm developed to predict the effect of missense changes on protein structure and function (PolyPhen-2) suggests that this variant is likely to be tolerated. In summary, the available evidence is currently insufficient to determine the role of this variant in disease. Therefore, it has been classified as a Variant of Uncertain Significance.